The following is an entry in ClinVar:

ClinVar aggregate classification (germline): Uncertain significance (1 of 4 stars; one submission).

Conditions:
Severe combined immunodeficiency due to DNA-PKcs deficiency. Also called: Immunodeficiency 26 with or without neurologic abnormalities; IMMUNODEFICIENCY 26 WITH NEUROLOGIC ABNORMALITIES. Identifiers: Orphanet 317425, MedGen C4014833, MONDO:0014423, OMIM 615966.

Submission:

Labcorp Genetics (formerly Invitae), Labcorp
Classification: Uncertain significance for Severe combined immunodeficiency due to DNA-PKcs deficiency. Last evaluated: 2020-08-30. Review status: criteria provided, single submitter. Criteria: Invitae Variant Classification Sherloc (09022015). Collection method: clinical testing. Allele origin: germline.
Comment: In summary, the available evidence is currently insufficient to determine the role of this variant in disease. Therefore, it has been classified as a Variant of Uncertain Significance. Experimental studies and prediction algorithms are not available or were not evaluated, and the functional significance of this variant is currently unknown. This variant has not been reported in the literature in individuals with PRKDC-related conditions. This variant is not present in population databases (ExAC no frequency). This sequence change replaces serine with arginine at codon 3402 of the PRKDC protein (p.Ser3402Arg). The serine residue is weakly conserved and there is a moderate physicochemical difference between serine and arginine.

NM_006904.7(PRKDC):c.10206C>G (p.Ser3402Arg)

Gene: PRKDC (protein kinase, DNA-activated, catalytic subunit; minus strand). Cytogenetic location: 8q11.21.
Variant type: single nucleotide variant.
Coding change: c.10206C>G on transcript NM_006904.7 (MANE Select); coding-DNA position 10206, C replaced by G.
Protein change: p.Ser3402Arg; replaces serine 3402 with arginine.
Molecular consequence: missense variant.
Genome position (GRCh38, 1-based): chr8:47,799,301, G>C on the plus strand (C>G on the coding strand, the complement: PRKDC is on the minus strand). VCF-style: chr8-47799301-G-C. GRCh37 (hg19) VCF-style: chr8-48711862-G-C.
Other names: c.10206C>G, p.Ser3402Arg (NM_001081640.2); short protein forms S3402R.
Identifiers: ClinVar variation 1004259 (VCV001004259.5), dbSNP rs2087048749, ClinGen allele CA371135325.